The following is an entry in ClinVar:

ClinVar aggregate classification (germline): Pathogenic/Likely pathogenic. Review status: criteria provided, multiple submitters, no conflicts (2 of 4 stars). 2 submissions from 2 submitters: Pathogenic (1); Likely pathogenic (1). Last evaluated 2024-07-30.

Conditions:
Monocytopenia with susceptibility to infections. Also called: COMBINED IMMUNODEFICIENCY WITH SUSCEPTIBILITY TO MYCOBACTERIAL, VIRAL, AND FUNGAL INFECTIONS; MONOCYTOPENIA AND MYCOBACTERIAL INFECTION SYNDROME; MONOCYTOPENIA WITH SUSCEPTIBILITY TO MYCOBACTERIAL, FUNGAL, AND PAPILLOMAVIRUS INFECTIONS AND MYELODYSPLASIA; Dendritic cell, monocyte, B lymphocyte, and natural killer lymphocyte deficiency; IMMUNODEFICIENCY 21; GATA2 DEFICIENCY. Identifiers: Orphanet 228423, MedGen C3280030, MONDO:0013607, OMIM 614172.
Deafness-lymphedema-leukemia syndrome. Also called: Lymphedema, primary, with myelodysplasia; Emberger syndrome. Identifiers: Orphanet 3226, MedGen C3279664, MONDO:0013540, OMIM 614038.

Submissions (2):

ARUP Laboratories, Molecular Genetics and Genomics, ARUP Laboratories
Classification: Likely pathogenic. Last evaluated: 2024-07-30. Review status: criteria provided, single submitter. Criteria: ARUP Molecular Germline Variant Investigation Process 2024. Collection method: clinical testing. Allele origin: germline.
Comment: The GATA2 c.1019C>A; p.Ser340Ter variant (rs745439347), to our knowledge, is not reported in the medical literature but is reported in ClinVar (Variation ID: 1376901). This variant is absent from the Genome Aggregation Database (v2.1.1), indicating it is not a common polymorphism. This variant induces an early termination codon and is predicted to result in a truncated protein or mRNA subject to nonsense-mediated decay. Based on available information, this variant is considered to be likely pathogenic.

Labcorp Genetics (formerly Invitae), Labcorp
Classification: Pathogenic for Monocytopenia with susceptibility to infections; Deafness-lymphedema-leukemia syndrome. Last evaluated: 2021-01-11. Review status: criteria provided, single submitter. Criteria: Invitae Variant Classification Sherloc (09022015). Collection method: clinical testing. Allele origin: germline.
Comment: This sequence change creates a premature translational stop signal (p.Ser340*) in the GATA2 gene. It is expected to result in an absent or disrupted protein product. Loss-of-function variants in GATA2 are known to be pathogenic (PMID: 21670465, 23223431). This variant is not present in population databases (ExAC no frequency). This variant has not been reported in the literature in individuals with GATA2-related conditions. Algorithms developed to predict the effect of sequence changes on RNA splicing suggest that this variant may create or strengthen a splice site, but this prediction has not been confirmed by published transcriptional studies. For these reasons, this variant has been classified as Pathogenic.

Literature cited by the submitters: PubMed 21670465 (cited by Labcorp Genetics (formerly Invitae), Labcorp); PubMed 23223431 (cited by Labcorp Genetics (formerly Invitae), Labcorp).

NM_032638.5(GATA2):c.1019C>A (p.Ser340Ter)

Gene: GATA2 (GATA binding protein 2; minus strand). Cytogenetic location: 3q21.3.
Variant type: single nucleotide variant.
Coding change: c.1019C>A on transcript NM_032638.5 (MANE Select); coding-DNA position 1019, C replaced by A.
Protein change: p.Ser340Ter; replaces serine 340 with a stop codon.
Molecular consequence: nonsense. On other transcripts: intron variant (1).
Genome position (GRCh38, 1-based): chr3:128,481,943, G>T on the plus strand (C>A on the coding strand, the complement: GATA2 is on the minus strand). VCF-style: chr3-128481943-G-T. GRCh37 (hg19) VCF-style: chr3-128200786-G-T.
Other names: c.1019C>A, p.Ser340Ter (NM_001145661.2); c.1018-41C>A (NM_001145662.1); short protein forms S340*.
Identifiers: ClinVar variation 1376901 (VCV001376901.7), dbSNP rs745439347, ClinGen allele CA354413710.